The following is an entry in ClinVar:

NM_006432.5(NPC2):c.-10_-9insGCG

Gene: NPC2 (NPC intracellular cholesterol transporter 2; minus strand). Cytogenetic location: 14q24.3.
Variant type: Insertion.
Coding change: c.-10_-9insGCG on transcript NM_006432.5 (MANE Select); 10 bases upstream of the start codon through 9 bases upstream of the start codon, GCG inserted.
Molecular consequence: 5 prime UTR variant.
Genome position: GRCh38 VCF-style: chr14-74493283-A-ACGC. GRCh37 (hg19) VCF-style: chr14-74959986-A-ACGC.
Other names: c.-10_-9insGCG (NM_001363688.1, NM_001375440.1).
Identifiers: ClinVar variation 3030991 (VCV003030991.2), dbSNP rs2506115760, ClinGen allele CA2740097129.
Genomic context (GRCh38, chr14:74,493,283, plus strand): 5'-GGGCAGCGGTGCTGAGCGCCAGGAGCAGGAATGTAGCTGCCAGGAAACGCATCGCGGATA[A>ACGC]CGAAGTTCCAAGCTCGGGAAAGAAGCAGCGGCCGCCCGCGGTCACAAGACAAACCTGTCG-3'

ClinVar aggregate classification (germline): Likely benign (0 of 4 stars; one submission).

Conditions:
NPC2-related disorder. Also called: NPC2-related condition.

Submission:

PreventionGenetics, part of Exact Sciences
Classification: Likely benign for NPC2-related condition. Last evaluated: 2021-04-07. Review status: no assertion criteria provided. Collection method: clinical testing. Allele origin: germline.
Comment: This variant is classified as likely benign based on ACMG/AMP sequence variant interpretation guidelines (Richards et al. 2015 PMID: 25741868, with internal and published modifications).